The following is an entry in ClinVar:

ClinVar aggregate classification (germline): Uncertain significance (1 of 4 stars; one submission).

Conditions:
Duchenne muscular dystrophy (DMD). Also called: Duchenne Muscular Dystrophy (DMD); MUSCULAR DYSTROPHY, PSEUDOHYPERTROPHIC PROGRESSIVE, DUCHENNE TYPE. Identifiers: Orphanet 98896, MedGen C0013264, MONDO:0010679, OMIM 310200.

Submission:

Labcorp Genetics (formerly Invitae), Labcorp
Classification: Uncertain significance for Duchenne muscular dystrophy. Last evaluated: 2022-07-06. Review status: criteria provided, single submitter. Criteria: Invitae Variant Classification Sherloc (09022015). Collection method: clinical testing. Allele origin: germline.
Comment: In summary, the available evidence is currently insufficient to determine the role of this variant in disease. Therefore, it has been classified as a Variant of Uncertain Significance. Algorithms developed to predict the effect of sequence changes on RNA splicing suggest that this variant may create or strengthen a splice site. Algorithms developed to predict the effect of missense changes on protein structure and function are either unavailable or do not agree on the potential impact of this missense change (SIFT: "Deleterious"; PolyPhen-2: "Possibly Damaging"; Align-GVGD: "Class C0"). ClinVar contains an entry for this variant (Variation ID: 1466808). This variant has not been reported in the literature in individuals affected with DMD-related conditions. This variant is not present in population databases (gnomAD no frequency). This sequence change replaces leucine, which is neutral and non-polar, with valine, which is neutral and non-polar, at codon 2295 of the DMD protein (p.Leu2295Val).

NM_004006.3(DMD):c.6883C>G (p.Leu2295Val)

Gene: DMD (dystrophin; minus strand). Cytogenetic location: Xp21.1.
Variant type: single nucleotide variant.
Coding change: c.6883C>G on transcript NM_004006.3 (MANE Select); coding-DNA position 6883, C replaced by G.
Protein change: p.Leu2295Val; replaces leucine 2295 with valine.
Molecular consequence: missense variant. On other transcripts: 5 prime UTR variant (5).
Genome position (GRCh38, 1-based): chrX:31,929,625, G>C on the plus strand (C>G on the coding strand, the complement: DMD is on the minus strand). VCF-style: chrX-31929625-G-C. GRCh37 (hg19) VCF-style: chrX-31947742-G-C.
Other names: c.6859C>G, p.Leu2287Val (NM_000109.4); c.6871C>G, p.Leu2291Val (NM_004009.3); c.6514C>G, p.Leu2172Val (NM_004010.3); c.2860C>G, p.Leu954Val (NM_004011.4); c.2851C>G, p.Leu951Val (NM_004012.4); c.-498C>G (NM_004013.3, NM_004020.4, NM_004021.3 and 2 more transcripts); short protein forms L2172V, L2291V, L2295V, L2287V, L954V, L951V.
Identifiers: ClinVar variation 1466808 (VCV001466808.8), dbSNP rs762298935, ClinGen allele CA412657815.
Genomic context (GRCh38, chrX:31,929,625, plus strand): 5'-CATGTGACGGAAGAGATGGTTAATGTCTAACCTTTATCCACTGGAGATTTGTCTGCTTGA[G>C]CTTATTTTCAAGTTTATCTTGCTCTTCTGGGCTTATGGGAGCACTTACAAGCACGGGTCC-3'
Protein context (NP_003997.2, residues 2285-2305): PEEQDKLENK[Leu2295Val]KQTNLQWIKV